The following is an entry in ClinVar:

NM_024844.5(NUP85):c.1680T>C (p.Leu560=)

Gene: NUP85 (nucleoporin 85; plus strand). Cytogenetic location: 17q25.1.
Variant type: single nucleotide variant.
Coding change: c.1680T>C on transcript NM_024844.5 (MANE Select); coding-DNA position 1680, T replaced by C.
Protein change: p.Leu560=; no amino-acid change (leucine 560 retained).
Molecular consequence: synonymous variant.
Genome position (GRCh38, 1-based): chr17:75,234,701, T>C. VCF-style: chr17-75234701-T-C. GRCh37 (hg19) VCF-style: chr17-73230796-T-C.
Other names: p.Leu560=; c.1542T>C, p.Leu514= (NM_001303276.2); c.1545T>C, p.Leu515= (NM_001330472.2); c.1680T>C (NM_024844.4).
Identifiers: ClinVar variation 1628325 (VCV001628325.12), dbSNP rs35857535, ClinGen allele CA8758962.

ClinVar aggregate classification (germline): Benign. Review status: criteria provided, multiple submitters, no conflicts (2 of 4 stars). 4 submissions from 4 submitters: Benign (3). 1 of the submissions does not count toward it. Last evaluated 2026-02-01.

Conditions:
NUP85-related disorder. Also called: NUP85-related condition.

Allele frequency attached by ClinVar (database versions not stated): gnomAD exomes 0.01350 and 0.03452; ESP Exome Variant Server 0.05897; 1000 Genomes Project 30x 0.11212; ExAC 0.03629; TOPMed 0.06718; gnomAD 0.06041 and 0.06051; 1000 Genomes Project 0.10583.
gnomAD v4.1: 29,577 of 1,614,108 alleles (1.8%); highest among the groups gnomAD compares: African/African-American, 18%; 1,865 homozygotes.

Submissions (4):

Labcorp Genetics (formerly Invitae), Labcorp
Classification: Benign. Last evaluated: 2026-02-01. Review status: criteria provided, single submitter. Criteria: Invitae Variant Classification Sherloc (09022015). Collection method: clinical testing. Allele origin: germline.

Mayo Clinic Laboratories, Mayo Clinic
Classification: Benign. Last evaluated: 2023-03-26. Review status: criteria provided, single submitter. Criteria: ACMG Guidelines, 2015. Collection method: clinical testing. Allele origin: germline. Observed: 18 variant alleles.

Breakthrough Genomics
Classification: Benign. Review status: criteria provided, single submitter. Criteria: ACMG Guidelines, 2015. Collection method: not provided. Allele origin: germline. Inheritance: Autosomal recessive inheritance. Affected: yes.

PreventionGenetics, part of Exact Sciences
Classification: Benign for NUP85-related condition. Last evaluated: 2019-05-03. Review status: no assertion criteria provided. Collection method: clinical testing. Allele origin: germline. Not counted in ClinVar's aggregate classification.
Comment: This variant is classified as benign based on ACMG/AMP sequence variant interpretation guidelines (Richards et al. 2015 PMID: 25741868, with internal and published modifications).